The following is an entry in ClinVar:

ClinVar aggregate classification (germline): Uncertain significance (1 of 4 stars; one submission).

Allele frequency attached by ClinVar (database versions not stated): gnomAD 0.00003 and 0.00004; TOPMed 0.00004; gnomAD exomes 0.00008; ExAC 0.00009; 1000 Genomes Project 0.00020; 1000 Genomes Project 30x 0.00031.
gnomAD v4.1: 37 of 1,608,732 alleles (0.0023%); highest among the groups gnomAD compares: East Asian, 0.038%; no homozygotes.

Submission:

Labcorp Genetics (formerly Invitae), Labcorp
Classification: Uncertain significance. Last evaluated: 2021-02-17. Review status: criteria provided, single submitter. Criteria: Invitae Variant Classification Sherloc (09022015). Collection method: clinical testing. Allele origin: germline.
Comment: This sequence change replaces alanine with valine at codon 1666 of the HTT protein (p.Ala1666Val). The alanine residue is highly conserved and there is a small physicochemical difference between alanine and valine. This variant is present in population databases (rs368118407, ExAC 0.08%). This variant has not been reported in the literature in individuals with HTT-related conditions. Experimental studies and prediction algorithms are not available or were not evaluated, and the functional significance of this variant is currently unknown. In summary, the available evidence is currently insufficient to determine the role of this variant in disease. Therefore, it has been classified as a Variant of Uncertain Significance.

NM_001388492.1(HTT):c.4991C>T (p.Ala1664Val)

Gene: HTT (huntingtin; plus strand). Cytogenetic location: 4p16.3.
Variant type: single nucleotide variant.
Coding change: c.4991C>T on transcript NM_001388492.1 (MANE Select); coding-DNA position 4991, C replaced by T.
Protein change: p.Ala1664Val; replaces alanine 1664 with valine.
Molecular consequence: missense variant.
Genome position (GRCh38, 1-based): chr4:3,187,652, C>T. VCF-style: chr4-3187652-C-T. GRCh37 (hg19) VCF-style: chr4-3189379-C-T.
Other names: c.4997C>T, p.Ala1666Val (NM_002111.8); short protein forms A1664V, A1666V.
Identifiers: ClinVar variation 1474095 (VCV001474095.6), dbSNP rs368118407, ClinGen allele CA2824612.